The following is an entry in ClinVar:

ClinVar aggregate classification (germline): Uncertain significance. Review status: criteria provided, multiple submitters, no conflicts (2 of 4 stars). 2 submissions from 2 submitters: Uncertain significance (2). Last evaluated 2025-06-07.

Allele frequency attached by ClinVar (database versions not stated): gnomAD 0.00001; gnomAD exomes 0.00001; ExAC 0.00002; TOPMed 0.00002; ESP Exome Variant Server 0.00008.
gnomAD v4.1: 5 of 1,614,044 alleles (0.00031%); highest among the groups gnomAD compares: African/African-American, 0.0053%; no homozygotes.

Submissions (2):

Ambry Genetics
Classification: Uncertain significance. Last evaluated: 2025-06-07. Review status: criteria provided, single submitter. Criteria: Ambry Variant Classification Scheme 2023. Collection method: clinical testing. Allele origin: germline.

Labcorp Genetics (formerly Invitae), Labcorp
Classification: Uncertain significance. Last evaluated: 2022-09-01. Review status: criteria provided, single submitter. Criteria: Invitae Variant Classification Sherloc (09022015). Collection method: clinical testing. Allele origin: germline.
Comment: In summary, the available evidence is currently insufficient to determine the role of this variant in disease. Therefore, it has been classified as a Variant of Uncertain Significance. Algorithms developed to predict the effect of missense changes on protein structure and function (SIFT, PolyPhen-2, Align-GVGD) all suggest that this variant is likely to be tolerated. ClinVar contains an entry for this variant (Variation ID: 1478886). This variant has not been reported in the literature in individuals affected with UQCRC2-related conditions. This variant is present in population databases (rs149279069, gnomAD 0.01%). This sequence change replaces methionine, which is neutral and non-polar, with valine, which is neutral and non-polar, at codon 438 of the UQCRC2 protein (p.Met438Val).

NM_003366.4(UQCRC2):c.1312A>G (p.Met438Val)

Genes: PDZD9 (PDZ domain containing 9), UQCRC2 (ubiquinol-cytochrome c reductase core protein 2). Cytogenetic location: 16p12.2.
Variant type: single nucleotide variant.
Coding change: c.1312A>G on transcript NM_003366.4 (MANE Select); coding-DNA position 1312, A replaced by G.
Protein change: p.Met438Val; replaces methionine 438 with valine.
Molecular consequence: missense variant.
Genome position (GRCh38, 1-based): chr16:21,983,121, A>G. VCF-style: chr16-21983121-A-G. GRCh37 (hg19) VCF-style: chr16-21994442-A-G.
Other names: c.1312A>G (NM_003366.2); short protein forms M438V.
Identifiers: ClinVar variation 1478886 (VCV001478886.9), dbSNP rs149279069, ClinGen allele CA7954022.
Genomic context (GRCh38, chr16:21,983,121, plus strand): 5'-TTTTGTCTTTTGTTTGTTTCTTTAAAGGCGGCAAAGAAGTTTGTTTCTGGCCAGAAGTCA[A>G]TGGCAGCAAGTGGAAATTTGGGACATACACCTTTTGTTGATGAGTTGTAATACTGATGCA-3'
Protein context (NP_003357.2, residues 428-448): AKKFVSGQKS[Met438Val]AASGNLGHTP